The following is an entry in ClinVar:

ClinVar aggregate classification (germline): Uncertain significance. Review status: criteria provided, multiple submitters, no conflicts (2 of 4 stars). 2 submissions from 2 submitters: Uncertain significance (2). Last evaluated 2025-12-17.

Allele frequency attached by ClinVar (database versions not stated): gnomAD exomes 0.00003 and 0.00012; ExAC 0.00012; 1000 Genomes Project 30x 0.00016; 1000 Genomes Project 0.00020; gnomAD 0.00044 and 0.00049; TOPMed 0.00046; ESP Exome Variant Server 0.00069.
gnomAD v4.1: 115 of 1,610,754 alleles (0.0071%); highest among the groups gnomAD compares: African/African-American, 0.14%; 1 homozygote.

Submissions (2):

Labcorp Genetics (formerly Invitae), Labcorp
Classification: Uncertain significance. Last evaluated: 2025-12-17. Review status: criteria provided, single submitter. Criteria: Invitae Variant Classification Sherloc (09022015). Collection method: clinical testing. Allele origin: germline.
Comment: This sequence change replaces alanine, which is neutral and non-polar, with proline, which is neutral and non-polar, at codon 392 of the CARD8 protein (p.Ala392Pro). This variant is present in population databases (rs149691235, gnomAD 0.1%), and has an allele count higher than expected for a pathogenic variant. This variant has not been reported in the literature in individuals affected with CARD8-related conditions. ClinVar contains an entry for this variant (Variation ID: 1419999). An algorithm developed to predict the effect of missense changes on protein structure and function (PolyPhen-2) suggests that this variant is likely to be disruptive. In summary, the available evidence is currently insufficient to determine the role of this variant in disease. Therefore, it has been classified as a Variant of Uncertain Significance.

Ambry Genetics
Classification: Uncertain significance. Last evaluated: 2022-08-02. Review status: criteria provided, single submitter. Criteria: Ambry Variant Classification Scheme 2023. Collection method: clinical testing. Allele origin: germline.

NM_001184900.3(CARD8):c.1324G>C (p.Ala442Pro)

Gene: CARD8 (caspase recruitment domain family member 8; minus strand). Cytogenetic location: 19q13.33.
Variant type: single nucleotide variant.
Coding change: c.1324G>C on transcript NM_001184900.3 (MANE Select); coding-DNA position 1324, G replaced by C.
Protein change: p.Ala442Pro; replaces alanine 442 with proline.
Molecular consequence: missense variant. On other transcripts: 3 prime UTR variant (7), non-coding transcript variant (4).
Genome position (GRCh38, 1-based): chr19:48,215,364, C>G on the plus strand (G>C on the coding strand, the complement: CARD8 is on the minus strand). VCF-style: chr19-48215364-C-G. GRCh37 (hg19) VCF-style: chr19-48718621-C-G.
Other names: c.1174G>C, p.Ala392Pro (NM_001184901.1, NM_001351783.2, NM_014959.5); c.*3G>C (NM_001184902.2, NM_001184903.1, NM_001351788.2 and 4 more transcripts); c.1324G>C, p.Ala442Pro (NM_001351782.2); c.1009G>C, p.Ala337Pro (NM_001351784.2, NM_001351787.2); c.988G>C, p.Ala330Pro (NM_001351786.2); c.1006G>C, p.Ala336Pro (NM_001365950.1); c.1324G>C (NM_001184900.1); short protein forms A330P, A392P, A337P, A336P, A442P.
Identifiers: ClinVar variation 1419999 (VCV001419999.7), dbSNP rs149691235, ClinGen allele CA9547728.